The following is an entry in ClinVar:

ClinVar aggregate classification (germline): Conflicting classifications of pathogenicity. Review status: criteria provided, conflicting classifications (1 of 4 stars). 2 submissions from 2 submitters: Uncertain significance (1); Likely benign (1). Last evaluated 2025-09-22.

Conditions:
Combined immunodeficiency due to MALT1 deficiency. Also called: Immunodeficiency 12. Identifiers: Orphanet 397964, MedGen C3809583, MONDO:0014197, OMIM 615468.

Allele frequency attached by ClinVar (database versions not stated): TOPMed 0.00006.
gnomAD v4.1: 195 of 1,582,500 alleles (0.012%); highest among the groups gnomAD compares: Non-Finnish European, 0.016%; 1 homozygote.

Submissions (2):

Labcorp Genetics (formerly Invitae), Labcorp
Classification: Likely benign for Combined immunodeficiency due to MALT1 deficiency. Last evaluated: 2025-09-22. Review status: criteria provided, single submitter. Criteria: Invitae Variant Classification Sherloc (09022015). Collection method: clinical testing. Allele origin: germline.

Baylor Genetics
Classification: Uncertain significance for Combined immunodeficiency due to MALT1 deficiency. Last evaluated: 2018-01-13. Review status: criteria provided, single submitter. Criteria: ACMG Guidelines, 2015. Collection method: clinical testing. Allele origin: paternal. Affected: yes.
Comment: This variant was determined to be of uncertain significance according to ACMG Guidelines, 2015 [PMID:25741868].

NM_006785.4(MALT1):c.1401-15G>T

Gene: MALT1 (MALT1 paracaspase; plus strand). Cytogenetic location: 18q21.32.
Variant type: single nucleotide variant.
Coding change: c.1401-15G>T on transcript NM_006785.4 (MANE Select); 15 bases into the intron before coding-DNA position 1401, G replaced by T.
Molecular consequence: intron variant.
Genome position (GRCh38, 1-based): chr18:58,734,292, G>T. VCF-style: chr18-58734292-G-T. GRCh37 (hg19) VCF-style: chr18-56401524-G-T.
Other names: c.1368-15G>T (NM_173844.3).
Identifiers: ClinVar variation 1031678 (VCV001031678.6), dbSNP rs371051170, ClinGen allele CA8977904.